The following is an entry in ClinVar:

ClinVar aggregate classification (germline): Likely benign. Review status: criteria provided, multiple submitters, no conflicts (2 of 4 stars). 12 submissions from 12 submitters: Likely benign (8). 4 of the submissions do not count toward it. Last evaluated 2026-02-13.

Conditions:
Immunodeficiency, common variable, 2 (CVID2). Also called: ANTIBODY DEFICIENCY DUE TO TACI DEFECT; HYPOGAMMAGLOBULINEMIA DUE TO TACI DEFICIENCY. Identifiers: Orphanet 1572, MedGen C3150354, MONDO:0009413, OMIM 240500.
Immunoglobulin A deficiency 2 (IGAD2). Identifiers: MedGen C1836032, MONDO:0012291, OMIM 609529.

Allele frequency attached by ClinVar (database versions not stated): TOPMed 0.00251; gnomAD 0.00259 and 0.00261; ExAC 0.00173; gnomAD exomes 0.00202 and 0.00369; 1000 Genomes Project 0.00220; ESP Exome Variant Server 0.00323; 1000 Genomes Project 30x 0.00344.
gnomAD v4.1: 5,767 of 1,614,006 alleles (0.36%); highest among the groups gnomAD compares: Non-Finnish European, 0.45%; 15 homozygotes.

Submissions (12):

Women's Health and Genetics/Laboratory Corporation of America, LabCorp
Classification: Likely benign. Last evaluated: 2026-02-13. Review status: criteria provided, single submitter. Criteria: LabCorp Variant Classification Summary - May 2015. Collection method: clinical testing. Allele origin: germline.
Comment: Variant summary: TNFRSF13B c.215G>A (p.Arg72His) results in a non-conservative amino acid change located in the TACI, cysteine-rich domain (IPR015384) of the encoded protein sequence. Algorithms developed to predict the effect of missense changes on protein structure and function are either unavailable or do not agree on the potential impact of this missense change. The variant allele was found at a frequency of 0.002 in 251186 control chromosomes, predominantly at a frequency of 0.0035 within the Non-Finnish European subpopulation in the gnomAD database, including 1 homozygotes. The observed variant frequency within Non-Finnish European control individuals in the gnomAD database exceeds the estimated maximal expected allele frequency for disease-causing variants in TNFRSF13B. c.215G>A has been observed in individual(s) affected with Common Variable Immunodeficiency. These report(s) do not provide unequivocal conclusions about association of the variant with Common Variable Immunodeficiency. Two publications report experimental evidence evaluating an impact on protein function, however, none of these studies allows convincing conclusions about the variant effect. ClinVar contains an entry for this variant (Variation ID: 322027). Based on the evidence outlined above, the variant was classified as likely benign.

Labcorp Genetics (formerly Invitae), Labcorp
Classification: Likely benign for Immunodeficiency, common variable, 2. Last evaluated: 2026-02-02. Review status: criteria provided, single submitter. Criteria: Invitae Variant Classification Sherloc (09022015). Collection method: clinical testing. Allele origin: germline.

ARUP Laboratories, Molecular Genetics and Genomics, ARUP Laboratories
Classification: Likely benign. Last evaluated: 2025-07-17. Review status: criteria provided, single submitter. Criteria: ARUP Molecular Germline Variant Investigation Process 2024. Collection method: clinical testing. Allele origin: germline.

Blueprint Genetics
Classification: Likely benign. Last evaluated: 2024-11-26. Review status: criteria provided, single submitter. Criteria: ACMG Guidelines, 2015. Collection method: clinical testing. Allele origin: germline.

CeGaT Center for Human Genetics Tuebingen
Classification: Likely benign. Last evaluated: 2024-02-01. Review status: criteria provided, single submitter. Criteria: CeGaT Center For Human Genetics Tuebingen Variant Classification Criteria Version 2. Collection method: clinical testing. Allele origin: germline. Affected: yes. Observed: 7 variant alleles.
Comment: TNFRSF13B: PM5, BS2

GeneDx
Classification: Likely benign. Last evaluated: 2018-03-26. Review status: criteria provided, single submitter. Criteria: GeneDx Variant Classification Process June 2021. Collection method: clinical testing. Allele origin: germline. Affected: yes.
Comment: This variant is associated with the following publications: (PMID: 18981294, 17392797, 16007087, 17983875, 17464555, 22884984, 26122175, 17392798, 32581362)

Breakthrough Genomics
Classification: Likely benign. Review status: criteria provided, single submitter. Criteria: ACMG Guidelines, 2015. Collection method: not provided. Allele origin: germline. Inheritance: Autosomal recessive inheritance. Affected: yes.

Center for Genomics, Ann and Robert H. Lurie Children's Hospital of Chicago
Classification: Likely benign for Immunodeficiency, common variable, 2; Immunoglobulin A deficiency 2. Review status: criteria provided, single submitter. Criteria: ACMG Guidelines, 2015. Collection method: clinical testing. Allele origin: germline.
Comment: This variant has been reported in the literature in several individuals with common variable immunodeficiency (CVID) as well as in at least 2 individuals with antibody deficiency (Salzer 2005 PMID:16007087, Pan-Hammarstrom 2007 PMID:17392797, Zhang 2007 PMID:179838875, Freiberger 2012 PMID:22884984, Turro 2020 PMID:32581362, Rojas-Restrepo 2021 PMID:34975878). Of note, multiple publications list this variant as a polymorphism. This variant is present in the Genome Aggregation Database (Highest reported MAF 0.4% (314/68020) including 2 homozygotes. This variant is present in ClinVar, with several labs classifying this variant as likely benign (Variation ID:322027). This variant amino acid Histidine (His) is present in several species including multiple mammals and is not well conserved among evolutionarily distant species; this suggests that this variant may not impact the protein. Additional computational prediction tools do not suggest an impact. In summary, data on this variant suggests that this variant does not cause disease but requires further evidence. Therefore, this variant is classified as likely benign.

Clinical Genetics DNA and cytogenetics Diagnostics Lab, Erasmus MC, Erasmus Medical Center
Classification: Likely benign. Review status: no assertion criteria provided. Collection method: clinical testing. Allele origin: germline. Affected: yes. Study: VKGL Data-share Consensus. Not counted in ClinVar's aggregate classification.

Diagnostic Laboratory, Department of Genetics, University Medical Center Groningen
Classification: Likely benign. Review status: no assertion criteria provided. Collection method: clinical testing. Allele origin: germline. Affected: yes. Study: VKGL Data-share Consensus. Not counted in ClinVar's aggregate classification.

Genome Diagnostics Laboratory, University Medical Center Utrecht
Classification: Likely benign. Review status: no assertion criteria provided. Collection method: clinical testing. Allele origin: germline. Affected: yes. Study: VKGL Data-share Consensus. Not counted in ClinVar's aggregate classification.

Laboratory of Diagnostic Genome Analysis, Leiden University Medical Center (LUMC)
Classification: Likely benign. Review status: no assertion criteria provided. Collection method: clinical testing. Allele origin: germline. Affected: yes. Study: VKGL Data-share Consensus. Not counted in ClinVar's aggregate classification.

Literature cited by the submitters: PubMed 16007087 (cited by Women's Health and Genetics/Laboratory Corporation of America, LabCorp); PubMed 17392798 (cited by Women's Health and Genetics/Laboratory Corporation of America, LabCorp); PubMed 17392797 (cited by Women's Health and Genetics/Laboratory Corporation of America, LabCorp); PubMed 17464555 (cited by Women's Health and Genetics/Laboratory Corporation of America, LabCorp); PubMed 17983875 (cited by Women's Health and Genetics/Laboratory Corporation of America, LabCorp); PubMed 18981294 (cited by Women's Health and Genetics/Laboratory Corporation of America, LabCorp); PubMed 18978466 (cited by Women's Health and Genetics/Laboratory Corporation of America, LabCorp); PubMed 20676093 (cited by Women's Health and Genetics/Laboratory Corporation of America, LabCorp); PubMed 17556024 (cited by Women's Health and Genetics/Laboratory Corporation of America, LabCorp); PubMed 18200502 (cited by Women's Health and Genetics/Laboratory Corporation of America, LabCorp); PubMed 22884984 (cited by Women's Health and Genetics/Laboratory Corporation of America, LabCorp); PubMed 27123465 (cited by Women's Health and Genetics/Laboratory Corporation of America, LabCorp); PubMed 26122175 (cited by Women's Health and Genetics/Laboratory Corporation of America, LabCorp).

NM_012452.3(TNFRSF13B):c.215G>A (p.Arg72His)

Gene: TNFRSF13B (TNF receptor superfamily member 13B; minus strand). Cytogenetic location: 17p11.2.
Variant type: single nucleotide variant.
Coding change: c.215G>A on transcript NM_012452.3 (MANE Select); coding-DNA position 215, G replaced by A.
Protein change: p.Arg72His; replaces arginine 72 with histidine.
Molecular consequence: missense variant.
Genome position (GRCh38, 1-based): chr17:16,948,968, C>T on the plus strand (G>A on the coding strand, the complement: TNFRSF13B is on the minus strand). VCF-style: chr17-16948968-C-T. GRCh37 (hg19) VCF-style: chr17-16852282-C-T.
Other names: short protein forms R72H.
Identifiers: ClinVar variation 322027 (VCV000322027.75), dbSNP rs55916807, ClinGen allele CA8414067.